The following is an entry in ClinVar:

ClinVar aggregate classification (germline): Benign. Review status: criteria provided, multiple submitters, no conflicts (2 of 4 stars). 5 submissions from 5 submitters: Benign (4). 1 of the submissions does not count toward it. Last evaluated 2019-12-31.

Conditions:
MC2R-related disorder. Also called: MC2R-related condition.
Glucocorticoid deficiency 1 (GCCD1). Also called: FAMILIAL GLUCOCORTICOID DEFICIENCY 1; Adrenal unresponsiveness to acth; Glucocorticoid deficiency, due to ACTH unresponsiveness. Identifiers: Orphanet 361, MedGen C4049650, MONDO:0024536, OMIM 202200.

Allele frequency attached by ClinVar (database versions not stated): ExAC 0.00709; gnomAD 0.02221 and 0.02378; 1000 Genomes Project 0.02416; 1000 Genomes Project 30x 0.02467; TOPMed 0.02487; ESP Exome Variant Server 0.02491.
gnomAD v4.1: 6,843 of 1,614,126 alleles (0.42%); highest among the groups gnomAD compares: African/African-American, 7.9%; 248 homozygotes.

Submissions (5):

Labcorp Genetics (formerly Invitae), Labcorp
Classification: Benign. Last evaluated: 2019-12-31. Review status: criteria provided, single submitter. Criteria: Invitae Variant Classification Sherloc (09022015). Collection method: clinical testing. Allele origin: germline.

Illumina Laboratory Services, Illumina
Classification: Benign for Glucocorticoid deficiency 1. Last evaluated: 2018-03-06. Review status: criteria provided, single submitter. Criteria: ICSL Variant Classification Criteria 13 December 2019. Collection method: clinical testing. Allele origin: germline.
Comment: This variant was observed in the ICSL laboratory as part of a predisposition screen in an ostensibly healthy population. It had not been previously curated by ICSL or reported in the Human Gene Mutation Database (HGMD: prior to June 1st, 2018), and was therefore a candidate for classification through an automated scoring system. Utilizing variant allele frequency, disease prevalence and penetrance estimates, and inheritance mode, an automated score was calculated to assess if this variant is too frequent to cause the disease. Based on the score and internal cut-off values, a variant classified as benign is not then subjected to further curation. The score for this variant resulted in a classification of benign for this disease.

Center for Pediatric Genomic Medicine, Children's Mercy Hospital and Clinics
Classification: Benign. Last evaluated: 2016-12-30. Review status: criteria provided, single submitter. Criteria: ACMG Guidelines, 2015. Collection method: clinical testing. Allele origin: germline.

Breakthrough Genomics
Classification: Benign. Review status: criteria provided, single submitter. Criteria: ACMG Guidelines, 2015. Collection method: not provided. Allele origin: germline. Inheritance: Autosomal recessive inheritance. Affected: yes.

PreventionGenetics, part of Exact Sciences
Classification: Benign for MC2R-related condition. Last evaluated: 2019-08-15. Review status: no assertion criteria provided. Collection method: clinical testing. Allele origin: germline. Not counted in ClinVar's aggregate classification.
Comment: This variant is classified as benign based on ACMG/AMP sequence variant interpretation guidelines (Richards et al. 2015 PMID: 25741868, with internal and published modifications).

NM_000529.2(MC2R):c.833T>G (p.Phe278Cys)

Gene: MC2R (melanocortin 2 receptor; minus strand). Cytogenetic location: 18p11.21.
Variant type: single nucleotide variant.
Coding change: c.833T>G on transcript NM_000529.2 (MANE Select); coding-DNA position 833, T replaced by G.
Protein change: p.Phe278Cys; replaces phenylalanine 278 with cysteine.
Molecular consequence: missense variant.
Genome position (GRCh38, 1-based): chr18:13,884,686, A>C on the plus strand (T>G on the coding strand, the complement: MC2R is on the minus strand). VCF-style: chr18-13884686-A-C. GRCh37 (hg19) VCF-style: chr18-13884685-A-C.
Other names: c.833T>G, p.Phe278Cys (NM_001291911.1); short protein forms F278C.
Identifiers: ClinVar variation 326191 (VCV000326191.13), dbSNP rs28926182, ClinGen allele CA8902391.